The following is an entry in ClinVar:

NM_014915.3(ANKRD26):c.2341A>C (p.Lys781Gln)

Gene: ANKRD26 (ankyrin repeat domain 26; minus strand). Cytogenetic location: 10p12.1.
Variant type: single nucleotide variant.
Coding change: c.2341A>C on transcript NM_014915.3 (MANE Select); coding-DNA position 2341, A replaced by C.
Protein change: p.Lys781Gln; replaces lysine 781 with glutamine.
Molecular consequence: missense variant.
Genome position (GRCh38, 1-based): chr10:27,039,999, T>G on the plus strand (A>C on the coding strand, the complement: ANKRD26 is on the minus strand). VCF-style: chr10-27039999-T-G. GRCh37 (hg19) VCF-style: chr10-27328928-T-G.
Other names: c.2338A>C, p.Lys780Gln (NM_001256053.2); short protein forms K780Q, K781Q.
Identifiers: ClinVar variation 4763960 (VCV004763960.1).

ClinVar aggregate classification (germline): Uncertain significance (1 of 4 stars; one submission).

Submission:

Labcorp Genetics (formerly Invitae), Labcorp
Classification: Uncertain significance. Last evaluated: 2025-08-23. Review status: criteria provided, single submitter. Criteria: Invitae Variant Classification Sherloc (09022015). Collection method: clinical testing. Allele origin: germline.
Comment: This sequence change replaces lysine, which is basic and polar, with glutamine, which is neutral and polar, at codon 781 of the ANKRD26 protein (p.Lys781Gln). This variant is not present in population databases (gnomAD no frequency). This variant has not been reported in the literature in individuals affected with ANKRD26-related conditions. An algorithm developed to predict the effect of missense changes on protein structure and function (PolyPhen-2) suggests that this variant is likely to be disruptive. In summary, the available evidence is currently insufficient to determine the role of this variant in disease. Therefore, it has been classified as a Variant of Uncertain Significance.